The following is an entry in ClinVar:

NM_020919.4(ALS2):c.2875C>A (p.Leu959Met)

Gene: ALS2 (alsin Rho guanine nucleotide exchange factor ALS2; minus strand). Cytogenetic location: 2q33.1.
Variant type: single nucleotide variant.
Coding change: c.2875C>A on transcript NM_020919.4 (MANE Select); coding-DNA position 2875, C replaced by A.
Protein change: p.Leu959Met; replaces leucine 959 with methionine.
Molecular consequence: missense variant.
Genome position (GRCh38, 1-based): chr2:201,727,742, G>T on the plus strand (C>A on the coding strand, the complement: ALS2 is on the minus strand). VCF-style: chr2-201727742-G-T. GRCh37 (hg19) VCF-style: chr2-202592465-G-T.
Other names: short protein forms L959M.
Identifiers: ClinVar variation 465188 (VCV000465188.1), dbSNP rs1553506293, ClinGen allele CA350322374.

ClinVar aggregate classification (germline): Uncertain significance (1 of 4 stars; one submission).

Conditions:
Infantile-onset ascending hereditary spastic paralysis (IAHSP). Also called: Autosomal Recessive Juvenile Amyotrophic Lateral Sclerosis; Infantile-Onset Ascending Hereditary Spastic Paralysis (IAHSP). Identifiers: Orphanet 293168, MedGen C2931441, MONDO:0011797, OMIM 607225. Disease mechanism: loss of function.

gnomAD v4.1: 3 of 1,551,730 alleles (0.00019%); highest among the groups gnomAD compares: Non-Finnish European, 0.00026%; no homozygotes.

Submission:

Labcorp Genetics (formerly Invitae), Labcorp
Classification: Uncertain significance for Infantile-onset ascending hereditary spastic paralysis. Last evaluated: 2017-04-27. Review status: criteria provided, single submitter. Criteria: Invitae Variant Classification Sherloc (09022015). Collection method: clinical testing. Allele origin: germline.
Comment: This sequence change replaces leucine with methionine at codon 959 of the ALS2 protein (p.Leu959Met). The leucine residue is highly conserved and there is a small physicochemical difference between leucine and methionine. This variant is not present in population databases (ExAC no frequency) and has not been reported in the literature in individuals with a ALS2-related disease. Algorithms developed to predict the effect of missense changes on protein structure and function do not agree on the potential impact of this missense change (SIFT: "Deleterious"; PolyPhen-2: "Benign"; Align-GVGD: "Class C0"). In summary, this variant is a novel missense change with uncertain impact on protein function. It has been classified as a Variant of Uncertain Significance.